The following is an entry in ClinVar:

NM_144499.3(GNAT1):c.583T>G (p.Phe195Val)

Gene: GNAT1 (G protein subunit alpha transducin 1; plus strand). Cytogenetic location: 3p21.31.
Variant type: single nucleotide variant.
Coding change: c.583T>G on transcript NM_144499.3 (MANE Select); coding-DNA position 583, T replaced by G.
Protein change: p.Phe195Val; replaces phenylalanine 195 with valine.
Molecular consequence: missense variant.
Genome position (GRCh38, 1-based): chr3:50,194,096, T>G. VCF-style: chr3-50194096-T-G. GRCh37 (hg19) VCF-style: chr3-50231529-T-G.
Other names: c.583T>G, p.Phe195Val (NM_000172.4); short protein forms F195V.
Identifiers: ClinVar variation 2993647 (VCV002993647.3), dbSNP rs960398499, ClinGen allele CA74601603.
Genomic context (GRCh38, chr3:50,194,096, plus strand): 5'-AAGGGATGTTGCCTGTGGGGCCCGGGGCGCAGGTTCAGGCCCCCGCGGCCCCGCAGGATG[T>G]TCGATGTGGGCGGGCAGCGCTCGGAGCGCAAGAAGTGGATCCACTGCTTCGAGGGCGTGA-3'
Protein context (NP_653082.1, residues 185-205): FSFKDLNFRM[Phe195Val]DVGGQRSERK

ClinVar aggregate classification (germline): Uncertain significance (1 of 4 stars; one submission).

Allele frequency attached by ClinVar (database versions not stated): gnomAD exomes 0.00001; TOPMed 0.00002.
gnomAD v4.1: 17 of 1,613,506 alleles (0.0011%); highest among the groups gnomAD compares: Non-Finnish European, 0.0014%; no homozygotes.

Submission:

Labcorp Genetics (formerly Invitae), Labcorp
Classification: Uncertain significance. Last evaluated: 2023-06-27. Review status: criteria provided, single submitter. Criteria: Invitae Variant Classification Sherloc (09022015). Collection method: clinical testing. Allele origin: germline.
Comment: In summary, the available evidence is currently insufficient to determine the role of this variant in disease. Therefore, it has been classified as a Variant of Uncertain Significance. Advanced modeling of protein sequence and biophysical properties (such as structural, functional, and spatial information, amino acid conservation, physicochemical variation, residue mobility, and thermodynamic stability) performed at Invitae indicates that this missense variant is not expected to disrupt GNAT1 protein function. This variant has not been reported in the literature in individuals affected with GNAT1-related conditions. This variant is present in population databases (no rsID available, gnomAD 0.0009%). This sequence change replaces phenylalanine, which is neutral and non-polar, with valine, which is neutral and non-polar, at codon 195 of the GNAT1 protein (p.Phe195Val).